The following is an entry in ClinVar:

ClinVar aggregate classification (germline): Benign/Likely benign. Review status: criteria provided, multiple submitters, no conflicts (2 of 4 stars). 5 submissions from 5 submitters: Benign (1); Likely benign (3). 1 of the submissions does not count toward it. Last evaluated 2025-10-21.

Conditions:
Inborn genetic diseases. Identifiers: MedGen C0950123, MeSH D030342.
MACF1-related disorder. Also called: MACF1-related condition.
Lissencephaly 9 with complex brainstem malformation. Identifiers: Orphanet 572013, MedGen C5193029, MONDO:0032677, OMIM 618325.

Allele frequency attached by ClinVar (database versions not stated): ExAC 0.00033; 1000 Genomes Project 0.00100; ESP Exome Variant Server 0.00100; 1000 Genomes Project 30x 0.00125; gnomAD 0.00129; TOPMed 0.00149.
gnomAD v4.1: 429 of 1,614,076 alleles (0.027%); highest among the groups gnomAD compares: African/African-American, 0.41%; 1 homozygote.

Submissions (5):

Labcorp Genetics (formerly Invitae), Labcorp
Classification: Benign. Last evaluated: 2025-10-21. Review status: criteria provided, single submitter. Criteria: Invitae Variant Classification Sherloc (09022015). Collection method: clinical testing. Allele origin: germline.

Blueprint Genetics
Classification: Likely benign. Last evaluated: 2024-10-14. Review status: criteria provided, single submitter. Criteria: ACMG Guidelines, 2015. Collection method: clinical testing. Allele origin: germline.

Genome-Nilou Lab
Classification: Likely benign for Lissencephaly 9 with complex brainstem malformation. Last evaluated: 2023-04-11. Review status: criteria provided, single submitter. Criteria: ACMG Guidelines, 2015. Collection method: clinical testing. Allele origin: germline. Affected: no.

Ambry Genetics
Classification: Likely benign for Inborn genetic diseases. Last evaluated: 2022-03-23. Review status: criteria provided, single submitter. Criteria: Ambry Variant Classification Scheme 2023. Collection method: clinical testing. Allele origin: germline.

PreventionGenetics, part of Exact Sciences
Classification: Likely benign for MACF1-related condition. Last evaluated: 2023-11-29. Review status: no assertion criteria provided. Collection method: clinical testing. Allele origin: germline. Not counted in ClinVar's aggregate classification.
Comment: This variant is classified as likely benign based on ACMG/AMP sequence variant interpretation guidelines (Richards et al. 2015 PMID: 25741868, with internal and published modifications).

NM_001394062.1(MACF1):c.21032C>T (p.Pro7011Leu)

Gene: MACF1 (microtubule actin crosslinking factor 1; plus strand). Cytogenetic location: 1p34.3.
Variant type: single nucleotide variant.
Coding change: c.21032C>T on transcript NM_001394062.1 (MANE Select); coding-DNA position 21032, C replaced by T.
Protein change: p.Pro7011Leu; replaces proline 7011 with leucine.
Molecular consequence: missense variant.
Genome position (GRCh38, 1-based): chr1:39,455,054, C>T. VCF-style: chr1-39455054-C-T. GRCh37 (hg19) VCF-style: chr1-39920726-C-T.
Other names: c.9110C>T, p.Pro3037Leu (NM_001397473.1); c.14855C>T, p.Pro4952Leu (NM_012090.5); short protein forms P4952L, P7011L, P3037L.
Identifiers: ClinVar variation 2073900 (VCV002073900.9), dbSNP rs145113396, ClinGen allele CA784528.
Genomic context (GRCh38, chr1:39,455,054, plus strand): 5'-TTCTGGCATGGATCCAGTGGGCTGAGACCACCCTCATTCAGCGGGATCAGGAGCCAATCC[C>T]GCAGAACATTGACCGAGTTAAAGCCCTTATCGCTGAGCATCAGGTATCTTAACCTCACTG-3'
Protein context (NP_001380991.1, residues 7001-7021): TLIQRDQEPI[Pro7011Leu]QNIDRVKALI